The following is an entry in ClinVar:

ClinVar aggregate classification (germline): Benign/Likely benign. Review status: criteria provided, multiple submitters, no conflicts (2 of 4 stars). 4 submissions from 4 submitters: Benign (1); Likely benign (3). Last evaluated 2025-03-25.

Conditions:
Hereditary cancer-predisposing syndrome. Also called: Tumor predisposition; Hereditary Cancer Syndrome; Hereditary neoplastic syndrome; Neoplastic Syndromes, Hereditary. Identifiers: Orphanet 140162, MedGen C0027672, MeSH D009386, MONDO:0015356.
Peutz-Jeghers syndrome (PJS). Also called: POLYPOSIS, HAMARTOMATOUS INTESTINAL; POLYPS-AND-SPOTS SYNDROME; Peutz-Jeghers polyposis; Periorificial lentiginosis syndrome. Identifiers: Orphanet 2869, MedGen C0031269, MeSH D010580, MONDO:0008280, OMIM 175200.

Allele frequency attached by ClinVar (database versions not stated): gnomAD exomes below 0.00001; TOPMed 0.00001; ESP Exome Variant Server 0.00008.
gnomAD v4.1: 1 of 1,613,692 alleles (0.000062%); highest among the groups gnomAD compares: Non-Finnish European, 0.000085%; no homozygotes.

Submissions (4):

Myriad Genetics, Inc.
Classification: Benign for Peutz-Jeghers syndrome. Last evaluated: 2025-03-25. Review status: criteria provided, single submitter. Criteria: Myriad Autosomal Dominant, Autosomal Recessive and X-Linked Classification Criteria (2023). Collection method: clinical testing. Allele origin: unknown.
Comment: This variant is considered benign. This variant is a silent/synonymous amino acid change and it is not expected to impact splicing.

Labcorp Genetics (formerly Invitae), Labcorp
Classification: Likely benign for Peutz-Jeghers syndrome. Last evaluated: 2025-03-24. Review status: criteria provided, single submitter. Criteria: Invitae Variant Classification Sherloc (09022015). Collection method: clinical testing. Allele origin: germline.

All of Us Research Program, National Institutes of Health
Classification: Likely benign for Peutz-Jeghers syndrome. Last evaluated: 2023-09-09. Review status: criteria provided, single submitter. Criteria: ACMG Guidelines, 2015. Collection method: clinical testing. Allele origin: germline. Inheritance: Autosomal dominant inheritance. Observed: 1 variant allele, 1 heterozygote.
Comment: This study involves interpretation of variants in research participants for the purpose of population health screening. Participant phenotype was not available at the time of variant classification. Additional details can be found in publication PMID: 35346344, PMCID: PMC8962531

Ambry Genetics
Classification: Likely benign for Hereditary cancer-predisposing syndrome. Last evaluated: 2022-04-22. Review status: criteria provided, single submitter. Criteria: Ambry Variant Classification Scheme 2023. Collection method: clinical testing. Allele origin: germline.

NM_000455.5(STK11):c.330C>T (p.Val110=)

Gene: STK11 (serine/threonine kinase 11; plus strand). Cytogenetic location: 19p13.3.
Variant type: single nucleotide variant.
Coding change: c.330C>T on transcript NM_000455.5 (MANE Select); coding-DNA position 330, C replaced by T.
Protein change: p.Val110=; no amino-acid change (valine 110 retained).
Molecular consequence: synonymous variant.
Genome position (GRCh38, 1-based): chr19:1,218,456, C>T. VCF-style: chr19-1218456-C-T. GRCh37 (hg19) VCF-style: chr19-1218455-C-T.
Identifiers: ClinVar variation 237800 (VCV000237800.15), dbSNP rs368548358, ClinGen allele CA10583783.